The following is an entry in ClinVar:

NM_006269.2(RP1):c.1205G>A (p.Gly402Asp)

Gene: RP1 (RP1 axonemal microtubule associated; plus strand). Cytogenetic location: 8q12.1.
Variant type: single nucleotide variant.
Coding change: c.1205G>A on transcript NM_006269.2 (MANE Select); coding-DNA position 1205, G replaced by A.
Protein change: p.Gly402Asp; replaces glycine 402 with aspartic acid.
Molecular consequence: missense variant. On other transcripts: intron variant (1).
Genome position (GRCh38, 1-based): chr8:54,625,087, G>A. VCF-style: chr8-54625087-G-A. GRCh37 (hg19) VCF-style: chr8-55537647-G-A.
Other names: c.787+2799G>A (NM_001375654.1); c.1205G>A (NM_006269.1); short protein forms G402D.
Identifiers: ClinVar variation 2977171 (VCV002977171.4), dbSNP rs777657118, ClinGen allele CA4751337.

ClinVar aggregate classification (germline): Uncertain significance. Review status: criteria provided, multiple submitters, no conflicts (2 of 4 stars). 2 submissions from 2 submitters: Uncertain significance (2). Last evaluated 2024-12-31.

Conditions:
Inborn genetic diseases. Identifiers: MedGen C0950123, MeSH D030342.

Allele frequency attached by ClinVar (database versions not stated): TOPMed below 0.00001; gnomAD 0.00001; ExAC 0.00002; gnomAD exomes 0.00002.
gnomAD v4.1: 27 of 1,614,050 alleles (0.0017%); highest among the groups gnomAD compares: Non-Finnish European, 0.0023%; no homozygotes.

Submissions (2):

Ambry Genetics
Classification: Uncertain significance for Inborn genetic diseases. Last evaluated: 2024-12-31. Review status: criteria provided, single submitter. Criteria: Ambry Variant Classification Scheme 2023. Collection method: clinical testing. Allele origin: germline.

Labcorp Genetics (formerly Invitae), Labcorp
Classification: Uncertain significance. Last evaluated: 2023-10-23. Review status: criteria provided, single submitter. Criteria: Invitae Variant Classification Sherloc (09022015). Collection method: clinical testing. Allele origin: germline.
Comment: This sequence change replaces glycine, which is neutral and non-polar, with aspartic acid, which is acidic and polar, at codon 402 of the RP1 protein (p.Gly402Asp). This variant is present in population databases (rs777657118, gnomAD 0.003%). This variant has not been reported in the literature in individuals affected with RP1-related conditions. Algorithms developed to predict the effect of missense changes on protein structure and function output the following: SIFT: "Not Available"; PolyPhen-2: "Benign"; Align-GVGD: "Not Available". The aspartic acid amino acid residue is found in multiple mammalian species, which suggests that this missense change does not adversely affect protein function. In summary, the available evidence is currently insufficient to determine the role of this variant in disease. Therefore, it has been classified as a Variant of Uncertain Significance.